The following is an entry in ClinVar:

NM_001930.4(DHPS):c.1074G>A (p.Lys358=)

Gene: DHPS (deoxyhypusine synthase; minus strand). Cytogenetic location: 19p13.13.
Variant type: single nucleotide variant.
Coding change: c.1074G>A on transcript NM_001930.4 (MANE Select); coding-DNA position 1074, G replaced by A.
Protein change: p.Lys358=; no amino-acid change (lysine 358 retained).
Molecular consequence: synonymous variant. On other transcripts: missense variant (2), non-coding transcript variant (4).
Genome position (GRCh38, 1-based): chr19:12,675,874, C>T on the plus strand (G>A on the coding strand, the complement: DHPS is on the minus strand). VCF-style: chr19-12675874-C-T. GRCh37 (hg19) VCF-style: chr19-12786688-C-T.
Other names: c.948G>A, p.Lys316= (NM_001206974.2); c.1010G>A, p.Arg337Lys (NM_001369691.1); c.787G>A, p.Asp263Asn (NM_001369692.1); c.525G>A, p.Lys175= (NM_001369693.1); c.933G>A, p.Lys311= (NM_013406.3); short protein forms D263N, R337K.
Identifiers: ClinVar variation 1675722 (VCV001675722.34), dbSNP rs140233506, ClinGen allele CA9227543.

ClinVar aggregate classification (germline): Likely benign. Review status: criteria provided, multiple submitters, no conflicts (2 of 4 stars). 2 submissions from 2 submitters: Likely benign (2). Last evaluated 2026-09-01.

Allele frequency attached by ClinVar (database versions not stated): gnomAD 0.00107 and 0.00104; gnomAD exomes 0.00118 and 0.00104; ExAC 0.00145; 1000 Genomes Project 30x 0.00031; 1000 Genomes Project 0.00040; ESP Exome Variant Server 0.00054; TOPMed 0.00084.
gnomAD v4.1: 1,656 of 1,610,004 alleles (0.1%); highest among the groups gnomAD compares: Non-Finnish European, 0.12%; 3 homozygotes.

Submissions (2):

CeGaT Center for Human Genetics Tuebingen
Classification: Likely benign. Last evaluated: 2026-09-01. Review status: criteria provided, single submitter. Criteria: CeGaT Center For Human Genetics Tuebingen Variant Classification Criteria Version 2. Collection method: clinical testing. Allele origin: germline. Affected: yes. Observed: 18 variant alleles.
Comment: DHPS: BP4, BP7

Blueprint Genetics
Classification: Likely benign. Last evaluated: 2024-11-25. Review status: criteria provided, single submitter. Criteria: ACMG Guidelines, 2015. Collection method: clinical testing. Allele origin: germline.